The following is an entry in ClinVar:

NM_152383.5(DIS3L2):c.1678C>G (p.Leu560Val)

Gene: DIS3L2 (DIS3 like 3'-5' exoribonuclease 2; plus strand). Cytogenetic location: 2q37.1.
Variant type: single nucleotide variant.
Coding change: c.1678C>G on transcript NM_152383.5 (MANE Select); coding-DNA position 1678, C replaced by G.
Protein change: p.Leu560Val; replaces leucine 560 with valine.
Molecular consequence: missense variant. On other transcripts: non-coding transcript variant (2), intron variant (1).
Genome position (GRCh38, 1-based): chr2:232,300,058, C>G. VCF-style: chr2-232300058-C-G. GRCh37 (hg19) VCF-style: chr2-233164768-C-G.
Other names: c.1581+36696C>G (NM_001257281.2); short protein forms L560V.
Identifiers: ClinVar variation 1385182 (VCV001385182.6), dbSNP rs1170950804, ClinGen allele CA350978498.

ClinVar aggregate classification (germline): Uncertain significance (1 of 4 stars; one submission).

Conditions:
Perlman syndrome (PRLMNS). Identifiers: Orphanet 2849, MedGen C0796113, MONDO:0009965, OMIM 267000.

Allele frequency attached by ClinVar (database versions not stated): gnomAD exomes below 0.00001.
gnomAD v4.1: 1 of 1,613,866 alleles (0.000062%); highest among the groups gnomAD compares: Non-Finnish European, 0.000085%; no homozygotes.

Submission:

Labcorp Genetics (formerly Invitae), Labcorp
Classification: Uncertain significance for Perlman syndrome. Last evaluated: 2022-10-03. Review status: criteria provided, single submitter. Criteria: Invitae Variant Classification Sherloc (09022015). Collection method: clinical testing. Allele origin: germline.
Comment: In summary, the available evidence is currently insufficient to determine the role of this variant in disease. Therefore, it has been classified as a Variant of Uncertain Significance. Advanced modeling of protein sequence and biophysical properties (such as structural, functional, and spatial information, amino acid conservation, physicochemical variation, residue mobility, and thermodynamic stability) performed at Invitae indicates that this missense variant is not expected to disrupt DIS3L2 protein function. ClinVar contains an entry for this variant (Variation ID: 1385182). This variant has not been reported in the literature in individuals affected with DIS3L2-related conditions. This variant is present in population databases (no rsID available, gnomAD 0.0009%). This sequence change replaces leucine, which is neutral and non-polar, with valine, which is neutral and non-polar, at codon 560 of the DIS3L2 protein (p.Leu560Val).